The following is an entry in ClinVar:

ClinVar aggregate classification (germline): Uncertain significance (1 of 4 stars; one submission).

Allele frequency attached by ClinVar (database versions not stated): TOPMed below 0.00001; ExAC 0.00001; gnomAD exomes 0.00002.

Submission:

Labcorp Genetics (formerly Invitae), Labcorp
Classification: Uncertain significance. Last evaluated: 2023-12-06. Review status: criteria provided, single submitter. Criteria: Invitae Variant Classification Sherloc (09022015). Collection method: clinical testing. Allele origin: germline.
Comment: This sequence change replaces leucine, which is neutral and non-polar, with proline, which is neutral and non-polar, at codon 144 of the YARS2 protein (p.Leu144Pro). This variant is present in population databases (rs778762702, gnomAD 0.003%). This variant has not been reported in the literature in individuals affected with YARS2-related conditions. ClinVar contains an entry for this variant (Variation ID: 1914618). Advanced modeling of protein sequence and biophysical properties (such as structural, functional, and spatial information, amino acid conservation, physicochemical variation, residue mobility, and thermodynamic stability) performed at Invitae indicates that this missense variant is expected to disrupt YARS2 protein function with a positive predictive value of 80%. In summary, the available evidence is currently insufficient to determine the role of this variant in disease. Therefore, it has been classified as a Variant of Uncertain Significance.

NM_001040436.3(YARS2):c.431T>C (p.Leu144Pro)

Gene: YARS2 (tyrosyl-tRNA synthetase 2; minus strand). Cytogenetic location: 12p11.21.
Variant type: single nucleotide variant.
Coding change: c.431T>C on transcript NM_001040436.3 (MANE Select); coding-DNA position 431, T replaced by C.
Protein change: p.Leu144Pro; replaces leucine 144 with proline.
Molecular consequence: missense variant.
Genome position (GRCh38, 1-based): chr12:32,755,444, A>G on the plus strand (T>C on the coding strand, the complement: YARS2 is on the minus strand). VCF-style: chr12-32755444-A-G. GRCh37 (hg19) VCF-style: chr12-32908378-A-G.
Other names: short protein forms L144P.
Identifiers: ClinVar variation 1914618 (VCV001914618.5), dbSNP rs778762702, ClinGen allele CA6508170.